The following is an entry in ClinVar:

NM_003482.4(KMT2D):c.6099A>G (p.Gln2033=)

Gene: KMT2D (lysine methyltransferase 2D; minus strand). Cytogenetic location: 12q13.12.
Variant type: single nucleotide variant.
Coding change: c.6099A>G on transcript NM_003482.4 (MANE Select); coding-DNA position 6099, A replaced by G.
Protein change: p.Gln2033=; no amino-acid change (glutamine 2033 retained).
Molecular consequence: synonymous variant.
Genome position (GRCh38, 1-based): chr12:49,042,099, T>C on the plus strand (A>G on the coding strand, the complement: KMT2D is on the minus strand). VCF-style: chr12-49042099-T-C. GRCh37 (hg19) VCF-style: chr12-49435882-T-C.
Identifiers: ClinVar variation 5000845 (VCV005000845.1).

ClinVar aggregate classification (germline): Uncertain significance (1 of 4 stars; one submission).

Conditions:
KMT2D-related disorder. Also called: KMT2D-Related Disorders.

gnomAD v4.1: 8 of 1,613,676 alleles (0.0005%); highest among the groups gnomAD compares: Non-Finnish European, 0.00059%; no homozygotes.

Submission:

PreventionGenetics, part of Exact Sciences
Classification: Uncertain significance for KMT2D-related condition. Last evaluated: 2025-05-07. Review status: criteria provided, single submitter. Criteria: ACMG Guidelines, 2015. Collection method: clinical testing. Allele origin: germline.
Comment: The KMT2D c.6099A>G variant is not predicted to result in an amino acid change (p.=). This variant is predicted to impact splicing based on available splicing prediction programs (SpliceAI, Jaganathan et al. 2019. PubMed ID: 30661751). To our knowledge, this variant has not been reported in the literature or in a large population database (gnomAD), indicating this variant is rare. At this time, the clinical significance of this variant is uncertain due to the absence of conclusive functional and genetic evidence.